The following is an entry in ClinVar:

NM_001040716.2(PC):c.2328_2329del (p.Ala778fs)

Gene: PC (pyruvate carboxylase; minus strand). Cytogenetic location: 11q13.2.
Variant type: Deletion.
Coding change: c.2328_2329del on transcript NM_001040716.2 (MANE Select); coding-DNA positions 2328 to 2329, 2 bases deleted (AG; older notation c.2328_2329delAG).
Protein change: p.Ala778fs; shifts the reading frame from alanine 778.
Molecular consequence: frameshift variant.
Genome position (GRCh38, 1-based): chr11:66,850,818-66,850,819, CT deleted on the plus strand (AG on the coding strand, the reverse complement: PC is on the minus strand). VCF-style (leftmost placement, unchanged base first): chr11-66850817-CCT-C. GRCh37 (hg19) VCF-style: chr11-66618288-CCT-C.
Other names: c.2328_2329del, p.Ala778fs (NM_000920.4, NM_022172.3); short protein forms A778fs.
Identifiers: ClinVar variation 1068572 (VCV001068572.7), dbSNP rs2135800153, ClinGen allele CA2499221218.

ClinVar aggregate classification (germline): Pathogenic (1 of 4 stars; one submission).

Conditions:
Pyruvate carboxylase deficiency. Also called: LEIGH NECROTIZING ENCEPHALOPATHY DUE TO PYRUVATE CARBOXYLASE DEFICIENCY; LEIGH SYNDROME DUE TO PYRUVATE CARBOXYLASE DEFICIENCY; PC DEFICIENCY; ATAXIA WITH LACTIC ACIDOSIS II; Pyruvate Carboxylase Deficiency Disease. Identifiers: Orphanet 3008, MedGen C0034341, MONDO:0009949, OMIM 266150.

Submission:

Labcorp Genetics (formerly Invitae), Labcorp
Classification: Pathogenic for Pyruvate carboxylase deficiency. Last evaluated: 2020-07-26. Review status: criteria provided, single submitter. Criteria: Invitae Variant Classification Sherloc (09022015). Collection method: clinical testing. Allele origin: germline.
Comment: Loss-of-function variants in PC are known to be pathogenic (PMID: 12112657, 19306334). For these reasons, this variant has been classified as Pathogenic. This sequence change creates a premature translational stop signal (p.Ala778Argfs*14) in the PC gene. It is expected to result in an absent or disrupted protein product. This variant is not present in population databases (ExAC no frequency). This variant has not been reported in the literature in individuals with PC-related conditions.

Literature cited by the submitters: PubMed 12112657; PubMed 19306334.